The following is an entry in ClinVar:

ClinVar aggregate classification (germline): Uncertain significance. Review status: criteria provided, multiple submitters, no conflicts (2 of 4 stars). 2 submissions from 2 submitters: Uncertain significance (2). Last evaluated 2026-02-01.

Allele frequency attached by ClinVar (database versions not stated): gnomAD 0.00001; TOPMed 0.00002.

Submissions (2):

Labcorp Genetics (formerly Invitae), Labcorp
Classification: Uncertain significance. Last evaluated: 2026-02-01. Review status: criteria provided, single submitter. Criteria: Invitae Variant Classification Sherloc (09022015). Collection method: clinical testing. Allele origin: germline.
Comment: This sequence change replaces arginine, which is basic and polar, with tryptophan, which is neutral and slightly polar, at codon 44 of the RAX2 protein (p.Arg44Trp). This variant is present in population databases (rs761987436, gnomAD 0.007%). This variant has not been reported in the literature in individuals affected with RAX2-related conditions. ClinVar contains an entry for this variant (Variation ID: 1928384). An algorithm developed to predict the effect of missense changes on protein structure and function (PolyPhen-2) suggests that this variant is likely to be disruptive. In summary, the available evidence is currently insufficient to determine the role of this variant in disease. Therefore, it has been classified as a Variant of Uncertain Significance.

Blueprint Genetics
Classification: Uncertain significance. Last evaluated: 2022-09-21. Review status: criteria provided, single submitter. Criteria: ACMG Guidelines, 2015. Collection method: clinical testing. Allele origin: germline.

NM_001319074.4(RAX2):c.130C>T (p.Arg44Trp)

Gene: RAX2 (retina and anterior neural fold homeobox 2; minus strand). Cytogenetic location: 19p13.3.
Variant type: single nucleotide variant.
Coding change: c.130C>T on transcript NM_001319074.4 (MANE Select); coding-DNA position 130, C replaced by T.
Protein change: p.Arg44Trp; replaces arginine 44 with tryptophan.
Molecular consequence: missense variant.
Genome position (GRCh38, 1-based): chr19:3,771,613, G>A on the plus strand (C>T on the coding strand, the complement: RAX2 is on the minus strand). VCF-style: chr19-3771613-G-A. GRCh37 (hg19) VCF-style: chr19-3771611-G-A.
Other names: c.130C>T, p.Arg44Trp (NM_032753.4); short protein forms R44W.
Identifiers: ClinVar variation 1928384 (VCV001928384.6), dbSNP rs761987436, ClinGen allele CA9085113.